The following is an entry in ClinVar:

ClinVar aggregate classification (germline): Likely benign. Review status: criteria provided, multiple submitters, no conflicts (2 of 4 stars). 3 submissions from 3 submitters: Likely benign (3). Last evaluated 2025-12-13.

Conditions:
Cardiovascular phenotype. Identifiers: MedGen CN230736.
Long QT syndrome (LQTS). Identifiers: MedGen C0023976, MeSH D008133, MONDO:0002442. Disease mechanism: loss of function. Inheritance: Various modes of inheritance.

Allele frequency attached by ClinVar (database versions not stated): gnomAD 0.00001; gnomAD exomes 0.00001; TOPMed 0.00001.
gnomAD v4.1: 11 of 1,560,980 alleles (0.0007%); highest among the groups gnomAD compares: South Asian, 0.0047%; no homozygotes.

Submissions (3):

Labcorp Genetics (formerly Invitae), Labcorp
Classification: Likely benign for Long QT syndrome. Last evaluated: 2025-12-13. Review status: criteria provided, single submitter. Criteria: Invitae Variant Classification Sherloc (09022015). Collection method: clinical testing. Allele origin: germline.

CeGaT Center for Human Genetics Tuebingen
Classification: Likely benign. Last evaluated: 2023-11-01. Review status: criteria provided, single submitter. Criteria: CeGaT Center For Human Genetics Tuebingen Variant Classification Criteria Version 2. Collection method: clinical testing. Allele origin: germline. Affected: yes. Observed: 2 variant alleles.
Comment: CACNA1C: BP4, BP7

Ambry Genetics
Classification: Likely benign for Cardiovascular phenotype. Last evaluated: 2022-04-21. Review status: criteria provided, single submitter. Criteria: Ambry Variant Classification Scheme 2023. Collection method: clinical testing. Allele origin: germline.

NM_000719.7(CACNA1C):c.2451C>T (p.Pro817=)

Gene: CACNA1C (calcium voltage-gated channel subunit alpha1 C; plus strand). Cytogenetic location: 12p13.33.
Variant type: single nucleotide variant.
Coding change: c.2451C>T on transcript NM_000719.7 (MANE Select); coding-DNA position 2451, C replaced by T.
Protein change: p.Pro817=; no amino-acid change (proline 817 retained).
Molecular consequence: synonymous variant.
Genome position (GRCh38, 1-based): chr12:2,585,487, C>T. VCF-style: chr12-2585487-C-T. GRCh37 (hg19) VCF-style: chr12-2694653-C-T.
Other names: c.2451C>T, p.Pro817= (NM_001129827.2, NM_001129829.2, NM_001129830.3 and 18 more transcripts); c.2442C>T, p.Pro814= (NM_001129844.2).
Identifiers: ClinVar variation 704655 (VCV000704655.37), dbSNP rs1257316721, ClinGen allele CA477884968.